The following is an entry in ClinVar:

ClinVar aggregate classification (germline): Pathogenic (1 of 4 stars; one submission).

Submission:

GeneDx
Classification: Pathogenic. Last evaluated: 2023-12-18. Review status: criteria provided, single submitter. Criteria: GeneDx Variant Classification Process June 2021. Collection method: clinical testing. Allele origin: germline. Affected: yes.
Comment: Frameshift variant predicted to result in protein truncation or nonsense mediated decay in a gene for which loss of function is a known mechanism of disease; Not observed at significant frequency in large population cohorts (gnomAD); Also known as c.36_39del; p.Ser12fs; This variant is associated with the following publications: (PMID: 35982159, 33767727)

NM_000268.4(NF2):c.39_42del (p.Leu14fs)

Gene: NF2 (NF2, moesin-ezrin-radixin like (MERLIN) tumor suppressor; plus strand). Cytogenetic location: 22q12.2.
Variant type: Microsatellite.
Coding change: c.39_42del on transcript NM_000268.4 (MANE Select); coding-DNA positions 39 to 42, 4 bases deleted (TCTC; older notation c.39_42delTCTC).
Protein change: p.Leu14fs; shifts the reading frame from leucine 14.
Molecular consequence: frameshift variant. On other transcripts: 5 prime UTR variant (4), non-coding transcript variant (1).
Genome position (GRCh38, 1-based): chr22:29,604,037-29,604,040, TCTC deleted; deleting any 4 consecutive bases within chr22:29,604,034-29,604,040 gives the same sequence; the c. name uses the placement nearest the transcript's 3' end. VCF-style (leftmost placement, unchanged base first): chr22-29604033-GCTCT-G. GRCh37 (hg19) VCF-style: chr22-30000022-GCTCT-G.
Other names: c.37_38TC[1], p.Leu14Argfs (NM_000268.3); c.-194TC[1] (NM_001407053.1, NM_001407056.1); c.39_42del, p.Leu14fs (NM_001407054.1, NM_001407055.1, NM_001407057.1 and 15 more transcripts); c.-604TC[1] (NM_001407065.1); c.-220TC[1] (NM_001407067.1); c.39_42del (NM_000268.3); short protein forms L14fs.
Identifiers: ClinVar variation 3343960 (VCV003343960.1).